The following is an entry in ClinVar:

NM_000834.5(GRIN2B):c.3257_3277del (p.Lys1086_Pro1093delinsThr)

Gene: GRIN2B (glutamate ionotropic receptor NMDA type subunit 2B; minus strand). Cytogenetic location: 12p13.1.
Variant type: Deletion.
Coding change: c.3257_3277del on transcript NM_000834.5 (MANE Select); coding-DNA positions 3257 to 3277, 21 bases deleted (AGGACAGCCTGAAGAAGCGGC).
Protein change: p.Lys1086_Pro1093delinsThr.
Molecular consequence: inframe indel.
Genome position (GRCh38, 1-based): chr12:13,563,961-13,563,981, GCCGCTTCTTCAGGCTGTCCT deleted on the plus strand (AGGACAGCCTGAAGAAGCGGC on the coding strand, the reverse complement: GRIN2B is on the minus strand). VCF-style (leftmost placement, unchanged base first): chr12-13563960-GGCCGCTTCTTCAGGCTGTCCT-G. GRCh37 (hg19) VCF-style: chr12-13716894-GGCCGCTTCTTCAGGCTGTCCT-G.
Identifiers: ClinVar variation 1191440 (VCV001191440.2), dbSNP rs2136405055, ClinGen allele CA2499221564.
Genomic context (GRCh38, chr12:13,563,960, plus strand): 5'-GGTCGGCGACGGTAGGCCAGCTCGATCTCGTCAAACTCCCTGCGGGACTTGGCCGAGGCA[GGCCGCTTCTTCAGGCTGTCCT>G]TATATTGCTGCTTACGCCTCTTGGCGGCATTGCCCTCGATGTTCCCATAGGTGACGGTGT-3'

ClinVar aggregate classification (germline): Uncertain significance (1 of 4 stars; one submission).

Submission:

GeneDx
Classification: Uncertain significance. Last evaluated: 2021-04-06. Review status: criteria provided, single submitter. Criteria: GeneDx Variant Classification Process June 2021. Collection method: clinical testing. Allele origin: germline. Affected: yes.
Comment: Not observed in large population cohorts (Lek et al., 2016); In-frame deletion 8 amino acids and insertion of one amino acids in a non-repeat region; In silico analysis supports a deleterious effect on protein structure/function; Has not been previously published as pathogenic or benign to our knowledge